The following is an entry in ClinVar:

NM_004304.5(ALK):c.3645+6_3645+9del

Gene: ALK (ALK receptor tyrosine kinase; minus strand). Cytogenetic location: 2p23.2.
Variant type: Microsatellite.
Coding change: c.3645+6_3645+9del on transcript NM_004304.5 (MANE Select); bases 6 to 9 of the intron after coding-DNA position 3645, 4 bases deleted (TGAG; older notation c.3645+6_3645+9delTGAG).
Molecular consequence: splice donor variant.
Genome position (GRCh38, 1-based): chr2:29,220,697-29,220,700, CTCA deleted on the plus strand (TGAG on the coding strand, the reverse complement: ALK is on the minus strand); deleting any 4 consecutive bases within chr2:29,220,697-29,220,705 gives the same sequence; the c. name uses the placement nearest the transcript's 3' end. VCF-style (leftmost placement, unchanged base first): chr2-29220696-TCTCA-T. GRCh37 (hg19) VCF-style: chr2-29443562-TCTCA-T.
Other names: c.3645+6_3645+9delTGAG (NM_004304.4); c.441+6_441+9del (NM_001353765.2).
Identifiers: ClinVar variation 566791 (VCV000566791.9), dbSNP rs780363656, ClinGen allele CA1593835.
Genomic context (GRCh38, chr2:29,220,696, plus strand): 5'-ACTCTTGCTCCTTCCATCCTTGCTCCTGTCCTTGGCACAACAACTGCAGCAAAGACTGGT[TCTCA>T]CTCACCGGGCGAGGGCGGGTCTCTCGGAGGAAGGACTTGAGGTCTCCCCCCGCCATGAGC-3'

ClinVar aggregate classification (germline): Uncertain significance (1 of 4 stars; one submission).

Conditions:
Neuroblastoma, susceptibility to, 3. Also called: ALK-Related Neuroblastic Tumor Susceptibility. Identifiers: Orphanet 635, MedGen C2751681, MONDO:0013083, OMIM 613014.

Submission:

Labcorp Genetics (formerly Invitae), Labcorp
Classification: Uncertain significance for Neuroblastoma, susceptibility to, 3. Last evaluated: 2024-12-24. Review status: criteria provided, single submitter. Criteria: Invitae Variant Classification Sherloc (09022015). Collection method: clinical testing. Allele origin: germline.
Comment: This sequence change falls in intron 23 of the ALK gene. It does not directly change the encoded amino acid sequence of the ALK protein. It affects a nucleotide within the consensus splice site. This variant is present in population databases (rs780363656, gnomAD 0.01%). This variant has not been reported in the literature in individuals affected with ALK-related conditions. Variants that disrupt the consensus splice site are a relatively common cause of aberrant splicing (PMID: 17576681, 9536098). Algorithms developed to predict the effect of sequence changes on RNA splicing suggest that this variant is not likely to affect RNA splicing. In summary, the available evidence is currently insufficient to determine the role of this variant in disease. Therefore, it has been classified as a Variant of Uncertain Significance.

Literature cited by the submitters: PubMed 17576681; PubMed 9536098.